The following is an entry in ClinVar:

ClinVar aggregate classification (germline): Conflicting classifications of pathogenicity. Review status: criteria provided, conflicting classifications (1 of 4 stars). 19 submissions from 19 submitters: Uncertain significance (8); Benign (1); Likely benign (9). 1 of the submissions does not count toward it. Last evaluated 2026-02-11.

Conditions:
BARD1-related cancer predisposition. Identifiers: MedGen CN377756, MONDO:0700267.
BARD1-related disorder. Also called: BARD1-related condition.
Hereditary cancer-predisposing syndrome. Also called: Tumor predisposition; Hereditary neoplastic syndrome; Hereditary Cancer Syndrome; Neoplastic Syndromes, Hereditary. Identifiers: Orphanet 140162, MedGen C0027672, MeSH D009386, MONDO:0015356.
Hereditary breast ovarian cancer syndrome. Also called: Hereditary breast and ovarian cancer; Hereditary breast and/or ovarian cancer syndrome; BRCA1- and BRCA2-Associated Hereditary Breast and Ovarian Cancer; Hereditary breast and ovarian cancer syndrome (HBOC); Hereditary breast and ovarian cancer syndrome; Breast and ovarian cancer. Identifiers: Orphanet 145, MedGen C0677776, MeSH D061325, MONDO:0003582. Disease mechanism: loss of function.
Familial cancer of breast. Also called: Hereditary breast cancer; hereditary breast carcinoma; BREAST CANCER, FAMILIAL. Identifiers: Orphanet 227535, MedGen C0346153, MONDO:0016419, OMIM 114480. Disease mechanism: loss of function.

Allele frequency attached by ClinVar (database versions not stated): gnomAD 0.00007 and 0.00008; ExAC 0.00009; gnomAD exomes 0.00009 and 0.00010; TOPMed 0.00012.

Submissions 1 to 11 of 19:

PreventionGenetics, part of Exact Sciences
Classification: Uncertain significance for BARD1-related condition. Last evaluated: 2026-02-11. Review status: criteria provided, single submitter. Criteria: ACMG Guidelines, 2015. Collection method: clinical testing. Allele origin: germline.
Comment: The BARD1 c.1409A>G variant is predicted to result in the amino acid substitution p.Asn470Ser. This variant has been reported in individuals with a history of breast, ovarian, endometrial, and suspected Lynch syndrome (Table S4, Ramus et al. 2015. PubMed ID: 26315354; Table S2, Yurgelun et al. 2015. PubMed ID: 25980754; Table S2, Ring et al. 2016. PubMed ID: 27443514), but also in unaffected individuals (Table 1, De Brakeleer et al. 2010. PubMed ID: 20077502). Furthermore, BARD1 structural analysis suggests this variant does not impact the ankyrin repeat domain (Fox et al. 2008. PubMed ID: 18480049). This variant is reported in 0.048% of alleles in individuals of European (Finnish) descent in gnomAD and has conflicting interpretations regarding its pathogenicity in ClinVar, ranging from uncertain significance to likely benign (Variation ID: 141739). At this time, the clinical significance of this variant is uncertain due to the absence of conclusive functional and genetic evidence.

Labcorp Genetics (formerly Invitae), Labcorp
Classification: Uncertain significance for Familial cancer of breast. Last evaluated: 2026-01-25. Review status: criteria provided, single submitter. Criteria: Invitae Variant Classification Sherloc (09022015). Collection method: clinical testing. Allele origin: germline.
Comment: This sequence change replaces asparagine, which is neutral and polar, with serine, which is neutral and polar, at codon 470 of the BARD1 protein (p.Asn470Ser). This variant is present in population databases (rs587781976, gnomAD 0.05%), and has an allele count higher than expected for a pathogenic variant. This missense change has been observed in individual(s) with breast cancer, endometrial cancer, ovarian cancer, and/or suspected Lynch syndrome (PMID: 14550946, 20077502, 25980754, 26315354, 35534704). ClinVar contains an entry for this variant (Variation ID: 141739). An algorithm developed to predict the effect of missense changes on protein structure and function outputs the following: PolyPhen-2: "Benign". The serine amino acid residue is found in multiple mammalian species, which suggests that this missense change does not adversely affect protein function. Experimental studies have shown that this missense change does not substantially affect BARD1 function (PMID: 18480049). In summary, the available evidence is currently insufficient to determine the role of this variant in disease. Therefore, it has been classified as a Variant of Uncertain Significance.

Center for Genomic Medicine, Rigshospitalet, Copenhagen University Hospital
Classification: Uncertain significance. Last evaluated: 2025-12-29. Review status: criteria provided, single submitter. Criteria: ACMG Guidelines, 2015. Collection method: clinical testing. Allele origin: germline.

Quest Diagnostics Nichols Institute San Juan Capistrano
Classification: Likely benign. Last evaluated: 2025-08-13. Review status: criteria provided, single submitter. Criteria: Quest Diagnostics criteria. Collection method: clinical testing. Allele origin: unknown.

GeneDx
Classification: Uncertain significance. Last evaluated: 2025-07-08. Review status: criteria provided, single submitter. Criteria: GeneDx Variant Classification Process June 2021. Collection method: clinical testing. Allele origin: germline. Affected: yes.
Comment: In silico analysis suggests that this missense variant does not alter protein structure/function; Observed in individuals with BARD1-related and other cancers, but also in healthy controls (PMID: 33471991, 35534704, 20077502, 14550946, 26315354, 27443514, 35734982, 36187937, 36833268); This variant is associated with the following publications: (PMID: 26738429, 15342711, 14550946, 20077502, 15855896, 19584272, 16633366, 23056176, 25980754, 27443514, 26315354, 27338793, 30374176, 34426522, 26787654, 31371347, 35734982, 36187937, 35949786, 37418175, 33471991, 35534704, 18480049, 25085752, 36409970, 40350474, 36833268)

Department of Pathology and Laboratory Medicine, Sinai Health System
Classification: Uncertain significance for Familial cancer of breast. Last evaluated: 2025-02-19. Review status: criteria provided, single submitter. Criteria: ACMG Guidelines, 2015. Collection method: clinical testing. Allele origin: germline. Affected: yes.

Women's Health and Genetics/Laboratory Corporation of America, LabCorp
Classification: Uncertain significance. Last evaluated: 2025-02-11. Review status: criteria provided, single submitter. Criteria: LabCorp Variant Classification Summary - May 2015. Collection method: clinical testing. Allele origin: germline.
Comment: Variant summary: BARD1 c.1409A>G (p.Asn470Ser) results in a conservative amino acid change located in the Ankyrin repeat-containing domain (IPR020683) of the encoded protein sequence. Four of five in-silico tools predict a benign effect of the variant on protein function. The variant allele was found at a frequency of 0.0001 in 258620 control chromosomes. This frequency is not significantly higher than estimated for a pathogenic variant in BARD1 causing Breast Cancer (0.0001 vs 0.00025), allowing no conclusion about variant significance. c.1409A>G has been reported in the presumed heterozygous state in the literature in multiple individuals affected with breast cancer, ovarian cancer or endometrial cancer as well as one individual who had a history of Lynch syndrome associated cancer and/or polyps, but has also been found in healthy controls (example, Ishitobi_2003, DeBrakeleer_2010, Yurgelun_2015, Ramus_2015, Young_2016, Ring_2016, Tsai_2019). None of the reviewed publications had any strong evidence for causality. To our knowledge, no experimental evidence demonstrating an impact on protein function has been reported. In vitro structural/stability data were presented but lacked sufficient detail for evidence (Fox_2008). The following publications have been ascertained in the context of this evaluation (PMID: 35734982, 36409970, 15855896, 20077502, 18480049, 26738429, 14550946, 15342711, 36187937, 36833268, 26315354, 19584272, 27443514, 31371347, 30374176, 26787654, 25980754, 35534704). ClinVar contains an entry for this variant (Variation ID: 141739). Based on the evidence outlined above, the variant was classified as VUS-possibly benign.

Molecular Pathology, Peter Maccallum Cancer Centre
Classification: Uncertain significance for BARD1-related cancer predisposition. Last evaluated: 2024-10-09. Review status: criteria provided, single submitter. Criteria: ACMG Guidelines, 2015. Collection method: clinical testing. Allele origin: germline. Inheritance: Autosomal dominant inheritance.

Blueprint Genetics
Classification: Likely benign. Last evaluated: 2024-09-20. Review status: criteria provided, single submitter. Criteria: ACMG Guidelines, 2015. Collection method: clinical testing. Allele origin: germline.

Color Diagnostics, LLC DBA Color Health
Classification: Likely benign for Hereditary cancer-predisposing syndrome. Last evaluated: 2024-09-19. Review status: criteria provided, single submitter. Criteria: ACMG Guidelines, 2015. Collection method: clinical testing. Allele origin: germline.

St. Jude Molecular Pathology, St. Jude Children's Research Hospital
Classification: Uncertain significance for Familial cancer of breast. Last evaluated: 2024-04-04. Review status: criteria provided, single submitter. Criteria: St. Jude Assertion Criteria 2020. Collection method: clinical testing. Allele origin: germline.
Comment: The BARD1 c.1409A>G (p.Asn470Ser) missense change has a maximum founder subpopulation frequency of 0.05% and a maximum non-founder subpopulation frequency of 0.01% in gnomAD v2.1.1. The in silico tool REVEL predicts a benign effect on protein function, but to our knowledge this prediction has not been confirmed by functional studies. To our knowledge, this variant has not been reported as pathogenic in individuals with BARD1-related disease. In summary, the evidence currently available is insufficient to determine the clinical significance of this variant. It has therefore been classified as of uncertain significance.

NM_000465.4(BARD1):c.1409A>G (p.Asn470Ser)

Gene: BARD1 (BRCA1 associated RING domain 1; minus strand). Cytogenetic location: 2q35.
Variant type: single nucleotide variant.
Coding change: c.1409A>G on transcript NM_000465.4 (MANE Select); coding-DNA position 1409, A replaced by G.
Protein change: p.Asn470Ser; replaces asparagine 470 with serine.
Molecular consequence: missense variant. On other transcripts: non-coding transcript variant (3), intron variant (3).
Genome position (GRCh38, 1-based): chr2:214,767,641, T>C on the plus strand (A>G on the coding strand, the complement: BARD1 is on the minus strand). VCF-style: chr2-214767641-T-C. GRCh37 (hg19) VCF-style: chr2-215632365-T-C.
Other names: p.N470S:AAT>AGT; NP_000456.2:p.Asn470Ser; c.1352A>G, p.Asn451Ser (NM_001282543.2); c.159-15086A>G (NM_001282548.2); c.216-15086A>G (NM_001282545.2); c.364+24656A>G (NM_001282549.2); short protein forms N470S, N451S.
Identifiers: ClinVar variation 141739 (VCV000141739.88), dbSNP rs587781976, ClinGen allele CA333223.
Genomic context (GRCh38, chr2:214,767,641, plus strand): 5'-GTGGTGTTCACCAATGCCTTATGCTGGAGCAATAATTCCACTACCTTCAGGTGCCCATGA[T>C]TGCAAGCTTCATGCTAATTAAATTTTTTGAAAAAGAAGTGAAAGAAGTGATAAGAAAGAG-3'
Protein context (NP_000456.2, residues 460-480): AGWTPLHEAC[Asn470Ser]HGHLKVVELL